The following is an entry in ClinVar:

ClinVar aggregate classification (germline): Uncertain significance. Review status: criteria provided, multiple submitters, no conflicts (2 of 4 stars). 3 submissions from 3 submitters: Uncertain significance (3). Last evaluated 2024-01-19.

Conditions:
Hereditary cancer-predisposing syndrome. Also called: Neoplastic Syndromes, Hereditary; Tumor predisposition; Hereditary Cancer Syndrome; Hereditary neoplastic syndrome. Identifiers: Orphanet 140162, MedGen C0027672, MeSH D009386, MONDO:0015356.
Hereditary breast ovarian cancer syndrome. Also called: Hereditary breast and ovarian cancer; Hereditary breast and ovarian cancer syndrome (HBOC); Breast and ovarian cancer; Hereditary breast and/or ovarian cancer syndrome; BRCA1- and BRCA2-Associated Hereditary Breast and Ovarian Cancer; Hereditary breast and ovarian cancer syndrome. Identifiers: Orphanet 145, MedGen C0677776, MeSH D061325, MONDO:0003582. Disease mechanism: loss of function.

Allele frequency attached by ClinVar (database versions not stated): gnomAD 0.00001; TOPMed 0.00001.

Submissions (4):

Labcorp Genetics (formerly Invitae), Labcorp
Classification: Uncertain significance for Hereditary breast ovarian cancer syndrome. Last evaluated: 2024-01-19. Review status: criteria provided, single submitter. Criteria: Invitae Variant Classification Sherloc (09022015). Collection method: clinical testing. Allele origin: germline.
Comment: This sequence change replaces methionine, which is neutral and non-polar, with threonine, which is neutral and polar, at codon 1663 of the BRCA1 protein (p.Met1663Thr). This variant is not present in population databases (gnomAD no frequency). This variant has not been reported in the literature in individuals affected with BRCA1-related conditions. ClinVar contains an entry for this variant (Variation ID: 868095). Algorithms developed to predict the effect of missense changes on protein structure and function output the following: SIFT: "Not Available"; PolyPhen-2: "Benign"; Align-GVGD: "Not Available". The threonine amino acid residue is found in multiple mammalian species, which suggests that this missense change does not adversely affect protein function. In summary, the available evidence is currently insufficient to determine the role of this variant in disease. Therefore, it has been classified as a Variant of Uncertain Significance.

Ambry Genetics
Classification: Uncertain significance for Hereditary cancer-predisposing syndrome. Last evaluated: 2022-09-21. Review status: criteria provided, single submitter. Criteria: Ambry Variant Classification Scheme 2023. Collection method: clinical testing. Allele origin: germline.
Comment: The p.M1663T variant (also known as c.4988T>C), located in coding exon 15 of the BRCA1 gene, results from a T to C substitution at nucleotide position 4988. The methionine at codon 1663 is replaced by threonine, an amino acid with similar properties. One functional study found that this nucleotide substitution had intermediate impact in a high-throughput, genome editing, haploid cell survival assay (Findlay GM et al. Nature, 2018 10;562:217-222). This amino acid position is not well conserved in available vertebrate species, and threonine is the reference amino acid in several other vertebrate species. In silico splice site analysis predicts that this alteration will not have any significant effect on splicing; however, direct evidence is insufficient at this time (Ambry internal data). In addition, this missense alteration is predicted to be tolerated by in silico analysis. Since supporting evidence is limited at this time, the clinical significance of this alteration remains unclear.

GeneDx
Classification: Uncertain significance. Last evaluated: 2019-07-19. Review status: criteria provided, single submitter. Criteria: GeneDx Variant Classification Process June 2021. Collection method: clinical testing. Allele origin: germline. Affected: yes.
Comment: Not observed in large population cohorts (Lek et al., 2016); In silico analysis, which includes protein predictors and evolutionary conservation, supports a deleterious effect; Has not been previously published as pathogenic or benign to our knowledge; This variant is associated with the following publications: (PMID: 30209399)

Brotman Baty Institute, University of Washington
No classification provided (evidence only). Condition: Breast-ovarian cancer, familial 1. Review status: no classification provided. Collection method: in vitro. Allele origin: not applicable. Functional consequence: function_uncertain_variant. Not counted in ClinVar's aggregate classification.
ClinVar note: "not provided" was previously submitted as the classification for the variant. However, the classification appeared to be based only on an observation of functional data so it was converted to no classification on 2025-07-30.

Literature cited by the submitters: PubMed 30209399 (cited by Ambry Genetics).

NM_007294.4(BRCA1):c.4988T>C (p.Met1663Thr)

Gene: BRCA1 (BRCA1 DNA repair associated; minus strand). Cytogenetic location: 17q21.31.
Variant type: single nucleotide variant.
Coding change: c.4988T>C on transcript NM_007294.4 (MANE Select); coding-DNA position 4988, T replaced by C.
Protein change: p.Met1663Thr; replaces methionine 1663 with threonine.
Molecular consequence: missense variant. On other transcripts: non-coding transcript variant (1).
Genome position (GRCh38, 1-based): chr17:43,067,694, A>G on the plus strand (T>C on the coding strand, the complement: BRCA1 is on the minus strand). VCF-style: chr17-43067694-A-G. GRCh37 (hg19) VCF-style: chr17-41219711-A-G.
Other names: c.4775T>C, p.Met1592Thr (NM_001407571.1, NM_001407895.1, NM_001407896.1 and 12 more transcripts); c.5054T>C, p.Met1685Thr (NM_001407581.1, NM_001407582.1); c.5051T>C, p.Met1684Thr (NM_001407583.1, NM_001407585.1, NM_001407587.1 and 1 more transcripts); c.5048T>C, p.Met1683Thr (NM_001407590.1, NM_001407591.1); c.4988T>C, p.Met1663Thr (NM_001407593.1, NM_001407594.1, NM_001407596.1 and 8 more transcripts); c.4985T>C, p.Met1662Thr (NM_001407610.1, NM_001407611.1, NM_001407612.1 and 17 more transcripts); c.4982T>C, p.Met1661Thr (NM_001407627.1, NM_001407628.1, NM_001407629.1 and 14 more transcripts); c.4979T>C, p.Met1660Thr (NM_001407644.1, NM_001407645.1); and 70 more; short protein forms M1684T, M1616T, M1663T, M559T, M1367T, M1534T, M1575T, M1591T.
Identifiers: ClinVar variation 868095 (VCV000868095.10), dbSNP rs80357205, ClinGen allele CA10591542.